The following is an entry in ClinVar:

NM_021956.5(GRIK2):c.2024C>G (p.Ala675Gly)

Gene: GRIK2 (glutamate ionotropic receptor kainate type subunit 2; plus strand). Cytogenetic location: 6q16.3.
Variant type: single nucleotide variant.
Coding change: c.2024C>G on transcript NM_021956.5 (MANE Select); coding-DNA position 2024, C replaced by G.
Protein change: p.Ala675Gly; replaces alanine 675 with glycine.
Molecular consequence: missense variant.
Genome position (GRCh38, 1-based): chr6:101,928,571, C>G. VCF-style: chr6-101928571-C-G. GRCh37 (hg19) VCF-style: chr6-102376446-C-G.
Other names: c.2024C>G, p.Ala675Gly (NM_001166247.1, NM_175768.3); short protein forms A675G.
Identifiers: ClinVar variation 4540266 (VCV004540266.1).

ClinVar aggregate classification (germline): Uncertain significance (1 of 4 stars; one submission).

gnomAD v4.1: 1 of 1,608,706 alleles (0.000062%); highest among the groups gnomAD compares: Non-Finnish European, 0.000085%; no homozygotes.

Submission:

GeneDx
Classification: Uncertain significance. Last evaluated: 2025-06-23. Review status: criteria provided, single submitter. Criteria: GeneDx Variant Classification Process June 2021. Collection method: clinical testing. Allele origin: germline. Affected: yes.
Comment: Not observed at significant frequency in large population cohorts (gnomAD); In silico analysis supports that this missense variant has a deleterious effect on protein structure/function; Has not been previously published as pathogenic or benign to our knowledge